The following is an entry in ClinVar:

NM_133497.4(KCNV2):c.946G>A (p.Glu316Lys)

Gene: KCNV2 (potassium voltage-gated channel modifier subfamily V member 2; plus strand). Cytogenetic location: 9p24.2.
Variant type: single nucleotide variant.
Coding change: c.946G>A on transcript NM_133497.4 (MANE Select); coding-DNA position 946, G replaced by A.
Protein change: p.Glu316Lys; replaces glutamic acid 316 with lysine.
Molecular consequence: missense variant.
Genome position (GRCh38, 1-based): chr9:2,718,685, G>A. VCF-style: chr9-2718685-G-A. GRCh37 (hg19) VCF-style: chr9-2718685-G-A.
Other names: short protein forms E316K.
Identifiers: ClinVar variation 2062125 (VCV002062125.5), dbSNP rs761886297, ClinGen allele CA372800228.

ClinVar aggregate classification (germline): Conflicting classifications of pathogenicity. Review status: criteria provided, conflicting classifications (1 of 4 stars). 2 submissions from 2 submitters: Likely pathogenic (1); Uncertain significance (1). Last evaluated 2022-11-29.

Conditions:
KCNV2-related disorder. Also called: KCNV2-related condition.

Submissions (2):

Blueprint Genetics
Classification: Likely pathogenic for KCNV2-related disorders. Last evaluated: 2022-11-29. Review status: criteria provided, single submitter. Criteria: ACMG Guidelines, 2015. Collection method: clinical testing. Allele origin: germline. Affected: yes. Observed: 3 variant alleles.

Labcorp Genetics (formerly Invitae), Labcorp
Classification: Uncertain significance. Last evaluated: 2021-12-27. Review status: criteria provided, single submitter. Criteria: Invitae Variant Classification Sherloc (09022015). Collection method: clinical testing. Allele origin: germline.
Comment: In summary, the available evidence is currently insufficient to determine the role of this variant in disease. Therefore, it has been classified as a Variant of Uncertain Significance. Advanced modeling of protein sequence and biophysical properties (such as structural, functional, and spatial information, amino acid conservation, physicochemical variation, residue mobility, and thermodynamic stability) performed at Invitae indicates that this missense variant is expected to disrupt KCNV2 protein function. This variant has not been reported in the literature in individuals affected with KCNV2-related conditions. This variant is not present in population databases (gnomAD no frequency). This sequence change replaces glutamic acid, which is acidic and polar, with lysine, which is basic and polar, at codon 316 of the KCNV2 protein (p.Glu316Lys).